The following is an entry in ClinVar:

ClinVar aggregate classification (germline): Pathogenic (1 of 4 stars; one submission).

Conditions:
Cohen syndrome (COH1). Also called: Cutis verticis gyrata, retinitis pigmentosa, and sensorineural deafness; PEPPER SYNDROME. Identifiers: Orphanet 193, MedGen C0265223, MONDO:0008999, OMIM 216550.

gnomAD v4.1: 7 of 1,613,720 alleles (0.00043%); highest among the groups gnomAD compares: Non-Finnish European, 0.00059%; no homozygotes.

Submission:

Myriad Genetics, Inc.
Classification: Pathogenic for Cohen syndrome. Last evaluated: 2026-06-29. Review status: criteria provided, single submitter. Criteria: Myriad Autosomal Dominant, Autosomal Recessive and X-Linked Classification Criteria (2023). Collection method: clinical testing. Allele origin: unknown.
Comment: NM_017890.4(VPS13B):c.5242C>T(Q1748*) is expected to be pathogenic in the context of Cohen syndrome. This variant is predicted to lead to an abnormal or absent protein product due to the creation of a premature termination codon in VPS13B, a gene where loss-of-function variants are known to be pathogenic. Please note: this variant was assessed in the context of healthy population screening.

NM_152564.5(VPS13B):c.5167C>T (p.Gln1723Ter)

Gene: VPS13B (vacuolar protein sorting 13 homolog B; plus strand). Cytogenetic location: 8q22.2.
Variant type: single nucleotide variant.
Coding change: c.5167C>T on transcript NM_152564.5 (MANE Select); coding-DNA position 5167, C replaced by T.
Protein change: p.Gln1723Ter; replaces glutamine 1723 with a stop codon.
Molecular consequence: nonsense.
Genome position (GRCh38, 1-based): chr8:99,577,580, C>T. VCF-style: chr8-99577580-C-T. GRCh37 (hg19) VCF-style: chr8-100589808-C-T.
Other names: c.5242C>T, p.Gln1748Ter (NM_017890.5); short protein forms Q1723*, Q1748*.
Identifiers: ClinVar variation 5016096 (VCV005016096.1).
Genomic context (GRCh38, chr8:99,577,580, plus strand): 5'-GTGAATATAACCACAAACCTGGACTTCTTCCTAAGTGTGGCTCAAGTTCAACTCTTACAT[C>T]AGTTAATAGTAGCAAATATGACTGGACTGGAACCATCAAACAAGGCTGCAGAGGTAACTG-3'